The following is an entry in ClinVar:

NM_003896.4(ST3GAL5):c.697C>T (p.His233Tyr)

Gene: ST3GAL5 (ST3 beta-galactoside alpha-2,3-sialyltransferase 5; minus strand). Cytogenetic location: 2p11.2.
Variant type: single nucleotide variant.
Coding change: c.697C>T on transcript NM_003896.4 (MANE Select); coding-DNA position 697, C replaced by T.
Protein change: p.His233Tyr; replaces histidine 233 with tyrosine.
Molecular consequence: missense variant. On other transcripts: 5 prime UTR variant (1).
Genome position (GRCh38, 1-based): chr2:85,846,529, G>A on the plus strand (C>T on the coding strand, the complement: ST3GAL5 is on the minus strand). VCF-style: chr2-85846529-G-A. GRCh37 (hg19) VCF-style: chr2-86073652-G-A.
Other names: c.628C>T, p.His210Tyr (NM_001042437.2); c.313C>T, p.His105Tyr (NM_001354223.2, NM_001354224.2, NM_001354226.2 and 3 more transcripts); c.613C>T, p.His205Tyr (NM_001354227.2, NM_001354229.2, NM_001354238.1); c.-27C>T (NM_001354247.1); c.697C>T, p.His233Tyr (NM_001363847.1); short protein forms H205Y, H210Y, H105Y, H233Y.
Identifiers: ClinVar variation 1395460 (VCV001395460.4), dbSNP rs2103949663, ClinGen allele CA347531276.

ClinVar aggregate classification (germline): Uncertain significance (1 of 4 stars; one submission).

Conditions:
GM3 synthase deficiency (SPDRS). Also called: AMISH INFANTILE EPILEPSY SYNDROME; SALT AND PEPPER MENTAL RETARDATION SYNDROME; SALT AND PEPPER DEVELOPMENTAL REGRESSION SYNDROME. Identifiers: Orphanet 171714, Orphanet 370933, MedGen C1836824, MONDO:0018274, OMIM 609056.

Submission:

Labcorp Genetics (formerly Invitae), Labcorp
Classification: Uncertain significance for GM3 synthase deficiency. Last evaluated: 2022-03-22. Review status: criteria provided, single submitter. Criteria: Invitae Variant Classification Sherloc (09022015). Collection method: clinical testing. Allele origin: germline.
Comment: This sequence change replaces histidine, which is basic and polar, with tyrosine, which is neutral and polar, at codon 233 of the ST3GAL5 protein (p.His233Tyr). In summary, the available evidence is currently insufficient to determine the role of this variant in disease. Therefore, it has been classified as a Variant of Uncertain Significance. Algorithms developed to predict the effect of missense changes on protein structure and function are either unavailable or do not agree on the potential impact of this missense change (SIFT: "Deleterious"; PolyPhen-2: "Possibly Damaging"; Align-GVGD: "Class C15"). This variant has not been reported in the literature in individuals affected with ST3GAL5-related conditions. This variant is not present in population databases (gnomAD no frequency).